The following is an entry in ClinVar:

ClinVar aggregate classification (germline): Uncertain significance (1 of 4 stars; one submission).

Conditions:
Autosomal dominant epilepsy with auditory features. Identifiers: Orphanet 101046, MedGen C1838062, MONDO:0010898.

gnomAD v4.1: 1 of 1,613,168 alleles (0.000062%); highest among the groups gnomAD compares: Non-Finnish European, 0.000085%; no homozygotes.

Submission:

Labcorp Genetics (formerly Invitae), Labcorp
Classification: Uncertain significance for Autosomal dominant epilepsy with auditory features. Last evaluated: 2025-05-11. Review status: criteria provided, single submitter. Criteria: Invitae Variant Classification Sherloc (09022015). Collection method: clinical testing. Allele origin: germline.
Comment: This sequence change replaces glutamic acid, which is acidic and polar, with lysine, which is basic and polar, at codon 225 of the LGI1 protein (p.Glu225Lys). This variant also falls at the last nucleotide of exon 6, which is part of the consensus splice site for this exon. This variant is not present in population databases (gnomAD no frequency). This variant has not been reported in the literature in individuals affected with LGI1-related conditions. An algorithm developed to predict the effect of missense changes on protein structure and function (PolyPhen-2) suggests that this variant is likely to be disruptive. Variants that disrupt the consensus splice site are a relatively common cause of aberrant splicing (PMID: 17576681, 9536098). Algorithms developed to predict the effect of sequence changes on RNA splicing suggest that this variant may disrupt the consensus splice site. In summary, the available evidence is currently insufficient to determine the role of this variant in disease. Therefore, it has been classified as a Variant of Uncertain Significance.

Literature cited by the submitters: PubMed 17576681; PubMed 9536098.

NM_005097.4(LGI1):c.673G>A (p.Glu225Lys)

Gene: LGI1 (leucine rich glioma inactivated 1; plus strand). Cytogenetic location: 10q23.33.
Variant type: single nucleotide variant.
Coding change: c.673G>A on transcript NM_005097.4 (MANE Select); coding-DNA position 673, G replaced by A.
Protein change: p.Glu225Lys; replaces glutamic acid 225 with lysine.
Molecular consequence: missense variant. On other transcripts: non-coding transcript variant (1).
Genome position (GRCh38, 1-based): chr10:93,792,912, G>A. VCF-style: chr10-93792912-G-A. GRCh37 (hg19) VCF-style: chr10-95552669-G-A.
Other names: c.673G>A, p.Glu225Lys (NM_001308275.2); c.529G>A, p.Glu177Lys (NM_001308276.2); short protein forms E225K, E177K.
Identifiers: ClinVar variation 4764996 (VCV004764996.1).
Genomic context (GRCh38, chr10:93,792,912, plus strand): 5'-GAATACAAGAAGCGCAAAATCAATAGTCTCTCCTCGAAGGATTTTGATTGCATCATTACA[G>A]GTAATGTACTCATCATCATTCCACCTCAAAAAATTAAAATAAGGGCTACCTTTTTTTTTC-3'
Protein context (NP_005088.1, residues 215-235): SSKDFDCIIT[Glu225Lys]FAKSQDLPYQ